The following is an entry in ClinVar:

NM_007186.6(CEP250):c.4056C>A (p.Asn1352Lys)

Gene: CEP250 (centrosomal protein 250; plus strand). Cytogenetic location: 20q11.22.
Variant type: single nucleotide variant.
Coding change: c.4056C>A on transcript NM_007186.6 (MANE Select); coding-DNA position 4056, C replaced by A.
Protein change: p.Asn1352Lys; replaces asparagine 1352 with lysine.
Molecular consequence: missense variant.
Genome position (GRCh38, 1-based): chr20:35,502,425, C>A. VCF-style: chr20-35502425-C-A. GRCh37 (hg19) VCF-style: chr20-34090253-C-A.
Other names: c.2160C>A, p.Asn720Lys (NM_001318219.1); short protein forms N720K, N1352K.
Identifiers: ClinVar variation 1388727 (VCV001388727.6), dbSNP rs1020843458, ClinGen allele CA314159544.

ClinVar aggregate classification (germline): Uncertain significance (1 of 4 stars; one submission).

Allele frequency attached by ClinVar (database versions not stated): gnomAD exomes below 0.00001; TOPMed 0.00002.
gnomAD v4.1: 5 of 1,613,784 alleles (0.00031%); highest among the groups gnomAD compares: East Asian, 0.0022%; no homozygotes.

Submission:

Labcorp Genetics (formerly Invitae), Labcorp
Classification: Uncertain significance. Last evaluated: 2022-04-28. Review status: criteria provided, single submitter. Criteria: Invitae Variant Classification Sherloc (09022015). Collection method: clinical testing. Allele origin: germline.
Comment: In summary, the available evidence is currently insufficient to determine the role of this variant in disease. Therefore, it has been classified as a Variant of Uncertain Significance. Algorithms developed to predict the effect of missense changes on protein structure and function output the following: SIFT: "Not Available"; PolyPhen-2: "Benign"; Align-GVGD: "Not Available". The lysine amino acid residue is found in multiple mammalian species, which suggests that this missense change does not adversely affect protein function. This variant has not been reported in the literature in individuals affected with CEP250-related conditions. This variant is present in population databases (no rsID available, gnomAD 0.007%). This sequence change replaces asparagine, which is neutral and polar, with lysine, which is basic and polar, at codon 1352 of the CEP250 protein (p.Asn1352Lys).